The following is an entry in ClinVar:

NM_000701.8(ATP1A1):c.1052T>C (p.Met351Thr)

Genes: ATP1A1 (ATPase Na+/K+ transporting subunit alpha 1; plus strand), LOC129931264 (ATAC-STARR-seq lymphoblastoid active region 1561; plus strand). Cytogenetic location: 1p13.1.
Variant type: single nucleotide variant.
Coding change: c.1052T>C on transcript NM_000701.8 (MANE Select); coding-DNA position 1052, T replaced by C.
Protein change: p.Met351Thr; replaces methionine 351 with threonine.
Molecular consequence: missense variant.
Genome position (GRCh38, 1-based): chr1:116,390,241, T>C. VCF-style: chr1-116390241-T-C. GRCh37 (hg19) VCF-style: chr1-116932863-T-C.
Other names: c.1052T>C, p.Met351Thr (NM_001160233.2); c.959T>C, p.Met320Thr (NM_001160234.2); short protein forms M320T, M351T.
Identifiers: ClinVar variation 3641737 (VCV003641737.2).
Genomic context (GRCh38, chr1:116,390,241, plus strand): 5'-AGTGAAGTAATAATCTTCCTAATATTTTTTAGGTCTGTCTGACACTTACTGCCAAACGCA[T>C]GGCAAGGAAAAACTGCTTAGTGAAGAACTTAGAAGCTGTGGAGACCTTGGGGTCCACGTC-3'
Protein context (NP_000692.2, residues 341-361): TVCLTLTAKR[Met351Thr]ARKNCLVKNL

ClinVar aggregate classification (germline): Uncertain significance (1 of 4 stars; one submission).

Submission:

Labcorp Genetics (formerly Invitae), Labcorp
Classification: Uncertain significance. Last evaluated: 2024-08-14. Review status: criteria provided, single submitter. Criteria: Invitae Variant Classification Sherloc (09022015). Collection method: clinical testing. Allele origin: germline.
Comment: This sequence change replaces methionine, which is neutral and non-polar, with threonine, which is neutral and polar, at codon 351 of the ATP1A1 protein (p.Met351Thr). This variant is present in population databases (no rsID available, gnomAD 0.007%). This variant has not been reported in the literature in individuals affected with ATP1A1-related conditions. Invitae Evidence Modeling of protein sequence and biophysical properties (such as structural, functional, and spatial information, amino acid conservation, physicochemical variation, residue mobility, and thermodynamic stability) indicates that this missense variant is expected to disrupt ATP1A1 protein function with a positive predictive value of 80%. In summary, the available evidence is currently insufficient to determine the role of this variant in disease. Therefore, it has been classified as a Variant of Uncertain Significance.